The following is an entry in ClinVar:

ClinVar aggregate classification (germline): Uncertain significance (1 of 4 stars; one submission).

Conditions:
PHGDH deficiency. Identifiers: Orphanet 79351, MedGen C1866174, MONDO:0011152, OMIM 601815.

Allele frequency attached by ClinVar (database versions not stated): gnomAD 0.00002; TOPMed 0.00002.
gnomAD v4.1: 16 of 1,613,696 alleles (0.00099%); highest among the groups gnomAD compares: African/African-American, 0.0067%; no homozygotes.

Submission:

Labcorp Genetics (formerly Invitae), Labcorp
Classification: Uncertain significance for PHGDH deficiency. Last evaluated: 2022-08-22. Review status: criteria provided, single submitter. Criteria: Invitae Variant Classification Sherloc (09022015). Collection method: clinical testing. Allele origin: germline.
Comment: This sequence change replaces arginine, which is basic and polar, with tryptophan, which is neutral and slightly polar, at codon 469 of the PHGDH protein (p.Arg469Trp). This variant is present in population databases (rs776122990, gnomAD 0.003%). This missense change has been observed in individual(s) with macular telangiectasia (PMID: 33758422). Algorithms developed to predict the effect of missense changes on protein structure and function are either unavailable or do not agree on the potential impact of this missense change (SIFT: "Deleterious"; PolyPhen-2: "Possibly Damaging"; Align-GVGD: "Class C0"). Experimental studies have shown that this missense change affects PHGDH function (PMID: 33758422). In summary, the available evidence is currently insufficient to determine the role of this variant in disease. Therefore, it has been classified as a Variant of Uncertain Significance.

Literature cited by the submitters: PubMed 33758422.

NM_006623.4(PHGDH):c.1405C>T (p.Arg469Trp)

Gene: PHGDH (phosphoglycerate dehydrogenase; plus strand). Cytogenetic location: 1p12.
Variant type: single nucleotide variant.
Coding change: c.1405C>T on transcript NM_006623.4 (MANE Select); coding-DNA position 1405, C replaced by T.
Protein change: p.Arg469Trp; replaces arginine 469 with tryptophan.
Molecular consequence: missense variant.
Genome position (GRCh38, 1-based): chr1:119,743,002, C>T. VCF-style: chr1-119743002-C-T. GRCh37 (hg19) VCF-style: chr1-120285625-C-T.
Other names: short protein forms R469W.
Identifiers: ClinVar variation 2141427 (VCV002141427.1), dbSNP rs776122990, ClinGen allele CA1037449.